The following is an entry in ClinVar:

ClinVar aggregate classification (germline): Likely benign (1 of 4 stars; one submission).

Allele frequency attached by ClinVar (database versions not stated): gnomAD 0.01103; 1000 Genomes Project 0.01219; TOPMed 0.01329; 1000 Genomes Project 30x 0.01353.
gnomAD v4.1: 1,228 of 112,160 alleles (1.1%); highest among the groups gnomAD compares: African/African-American, 3.8%; 18 homozygotes.

Submission:

GeneDx
Classification: Likely benign. Last evaluated: 2019-06-29. Review status: criteria provided, single submitter. Criteria: GeneDx Variant Classification Process June 2021. Collection method: clinical testing. Allele origin: germline. Affected: yes.
Comment: See Variant Classification Assertion Criteria.

NM_000202.8(IDS):c.1007-381G>A

Genes: IDS (iduronate 2-sulfatase; minus strand), LOC106050102 (IDS recombination region; plus strand). Cytogenetic location: Xq28.
Variant type: single nucleotide variant.
Coding change: c.1007-381G>A on transcript NM_000202.8 (MANE Select); 381 bases into the intron before coding-DNA position 1007, G replaced by A.
Molecular consequence: intron variant.
Genome position (GRCh38, 1-based): chrX:149,487,479, C>T on the plus strand (G>A on the coding strand, the complement: IDS is on the minus strand). VCF-style: chrX-149487479-C-T. GRCh37 (hg19) VCF-style: chrX-148569010-C-T.
Other names: c.737-381G>A (NM_001166550.4); c.1007-166G>A (NM_006123.5).
Identifiers: ClinVar variation 1706669 (VCV001706669.2), dbSNP rs140161278, ClinGen allele CA337035881.